The following is an entry in ClinVar:

ClinVar aggregate classification (germline): Uncertain significance. Review status: criteria provided, multiple submitters, no conflicts (2 of 4 stars). 2 submissions from 2 submitters: Uncertain significance (2). Last evaluated 2026-06-15.

Conditions:
CEP164-related disorder. Also called: CEP164-related condition.
Nephronophthisis 15 (NPHP15). Identifiers: Orphanet 3156, MedGen C3541853, MONDO:0013917, OMIM 614845.

Allele frequency attached by ClinVar (database versions not stated): gnomAD 0.00001 and 0.00003; TOPMed 0.00002; ExAC 0.00004; gnomAD exomes 0.00004; 1000 Genomes Project 30x 0.00016; 1000 Genomes Project 0.00020.
gnomAD v4.1: 111 of 1,614,126 alleles (0.0069%); highest among the groups gnomAD compares: East Asian, 0.23%; no homozygotes.

Submissions (2):

PreventionGenetics, part of Exact Sciences
Classification: Uncertain significance for CEP164-related condition. Last evaluated: 2026-06-15. Review status: criteria provided, single submitter. Criteria: ACMG Guidelines, 2015. Collection method: clinical testing. Allele origin: germline.
Comment: The CEP164 c.452G>A variant is predicted to result in the amino acid substitution p.Arg151Gln. This variant was reported in the compound heterozygous state with another missense variant in an individual with nephronophthisis (Supplementary Table S4, Fujimaru et al. 2021. PubMed ID: 34013113). This variant is reported in 0.049% of alleles in individuals of East Asian descent in gnomAD. At this time, the clinical significance of this variant is uncertain due to the absence of conclusive functional and genetic evidence.

Labcorp Genetics (formerly Invitae), Labcorp
Classification: Uncertain significance for Nephronophthisis 15. Last evaluated: 2022-04-08. Review status: criteria provided, single submitter. Criteria: Invitae Variant Classification Sherloc (09022015). Collection method: clinical testing. Allele origin: germline.
Comment: This sequence change replaces arginine, which is basic and polar, with glutamine, which is neutral and polar, at codon 151 of the CEP164 protein (p.Arg151Gln). This variant is present in population databases (rs564746056, gnomAD 0.06%). This missense change has been observed in individual(s) with nephronopthisis (PMID: 34013113). ClinVar contains an entry for this variant (Variation ID: 1023858). Algorithms developed to predict the effect of missense changes on protein structure and function (SIFT, PolyPhen-2, Align-GVGD) all suggest that this variant is likely to be disruptive. In summary, the available evidence is currently insufficient to determine the role of this variant in disease. Therefore, it has been classified as a Variant of Uncertain Significance.

Literature cited by the submitters: PubMed 34013113 (cited by Labcorp Genetics (formerly Invitae), Labcorp).

NM_014956.5(CEP164):c.452G>A (p.Arg151Gln)

Gene: CEP164 (centrosomal protein 164; plus strand). Cytogenetic location: 11q23.3.
Variant type: single nucleotide variant.
Coding change: c.452G>A on transcript NM_014956.5 (MANE Select); coding-DNA position 452, G replaced by A.
Protein change: p.Arg151Gln; replaces arginine 151 with glutamine.
Molecular consequence: missense variant.
Genome position (GRCh38, 1-based): chr11:117,361,893, G>A. VCF-style: chr11-117361893-G-A. GRCh37 (hg19) VCF-style: chr11-117232609-G-A.
Other names: c.452G>A (NM_014956.4); c.452G>A, p.Arg151Gln (NM_001271933.2); short protein forms R151Q.
Identifiers: ClinVar variation 1023858 (VCV001023858.5), dbSNP rs564746056, ClinGen allele CA6294484.